The following is an entry in ClinVar:

ClinVar aggregate classification (germline): Pathogenic/Likely pathogenic. Review status: criteria provided, multiple submitters, no conflicts (2 of 4 stars). 2 submissions from 2 submitters: Pathogenic (1); Likely pathogenic (1). Last evaluated 2024-04-10.

Conditions:
Actin accumulation myopathy (CMYO2A). Also called: Myopathy, actin, congenital, with cores; Nemaline myopathy 3, with intranuclear rods; CONGENITAL MYOPATHY 2A, TYPICAL, AUTOSOMAL DOMINANT; Nemaline myopathy type 3; Myopathy, actin, congenital, with excess of thin myofilaments. Identifiers: Orphanet 98904, MedGen C3711389, MONDO:0008070, OMIM 161800.
ACTA1-related disorder. Also called: ACTA1-related condition.

Submissions (2):

Blueprint Genetics
Classification: Likely pathogenic for ACTA1-related disorders. Last evaluated: 2024-04-10. Review status: criteria provided, single submitter. Criteria: ACMG Guidelines, 2015. Collection method: clinical testing. Allele origin: germline. Affected: yes. Observed: 2 variant alleles.

Labcorp Genetics (formerly Invitae), Labcorp
Classification: Pathogenic for Actin accumulation myopathy. Last evaluated: 2021-02-21. Review status: criteria provided, single submitter. Criteria: Invitae Variant Classification Sherloc (09022015). Collection method: clinical testing. Allele origin: germline.
Comment: This variant disrupts the p.Arg256 amino acid residue in ACTA1. Other variant(s) that disrupt this residue have been determined to be pathogenic (Invitae). This suggests that this residue is clinically significant, and that variants that disrupt this residue are likely to be disease-causing. For these reasons, this variant has been classified as Pathogenic. Advanced modeling of protein sequence and biophysical properties (such as structural, functional, and spatial information, amino acid conservation, physicochemical variation, residue mobility, and thermodynamic stability) performed at Invitae indicates that this missense variant is expected to disrupt ACTA1 protein function. This variant has been observed in individual(s) with autosomal dominant nemaline myopathy (PMID: 10508519) and dilated cardiomyopathy (PMID: 30354303). In at least one individual the variant was observed to be de novo. ClinVar contains an entry for this variant (Variation ID: 836935). This variant is not present in population databases (ExAC no frequency). This sequence change replaces arginine with histidine at codon 256 of the ACTA1 protein (p.Arg256His). The arginine residue is highly conserved and there is a small physicochemical difference between arginine and histidine.

Literature cited by the submitters: PubMed 10508519 (cited by Labcorp Genetics (formerly Invitae), Labcorp); PubMed 30354303 (cited by Labcorp Genetics (formerly Invitae), Labcorp).

NM_001100.4(ACTA1):c.767G>A (p.Arg256His)

Gene: ACTA1 (actin alpha 1, skeletal muscle; minus strand). Cytogenetic location: 1q42.13.
Variant type: single nucleotide variant.
Coding change: c.767G>A on transcript NM_001100.4 (MANE Select); coding-DNA position 767, G replaced by A.
Protein change: p.Arg256His; replaces arginine 256 with histidine.
Molecular consequence: missense variant.
Genome position (GRCh38, 1-based): chr1:229,432,035, C>T on the plus strand (G>A on the coding strand, the complement: ACTA1 is on the minus strand). VCF-style: chr1-229432035-C-T. GRCh37 (hg19) VCF-style: chr1-229567782-C-T.
Other names: short protein forms R256H.
Identifiers: ClinVar variation 836935 (VCV000836935.11), dbSNP rs1659954003, ClinGen allele CA345146592.